The following continues an entry in ClinVar:

NM_031885.5(BBS2):c.1895G>C (p.Arg632Pro)

Gene: BBS2. ClinVar aggregate classification (germline): Pathogenic/Likely pathogenic. Pathogenic (18); Likely pathogenic (1).

Submissions 14 to 23 of 23:

Broad Center for Mendelian Genomics, Broad Institute of MIT and Harvard
Classification: Pathogenic for Retinitis pigmentosa 74. Last evaluated: 2022-05-04. Review status: criteria provided, single submitter. Criteria: ACMG Guidelines, 2015. Collection method: curation. Allele origin: germline. Inheritance: Autosomal recessive inheritance.
Comment: The variant has been reported in 6 individuals of unknown and Ashkenazi Jewish ethnicities with retinitis pigmentosa 74 (PMID: 25133751, 25412400, 25541840, 28559085), and has been identified in 0.3% (29/10370) of Ashkenazi Jewish, 0.004% (1/25116) of European Finnish, and 0.0008% (1/129168) of European non-Finnish chromosomes by the Genome Aggregation Database (gnomAD; dbSNP ID: rs138043021). Although this variant has been seen in the general population, its frequency is not high enough to rule out a pathogenic role. This variant has also been reported in ClinVar (Variation ID: 4578) as pathogenic by Illumina Clinical Services Laboratory, Blueprint Genetics, Integrated Genetics/Laboratory Corporation of America, OMIM, and Sharon lab,Hadassah-Hebrew University Medical Center, and as likely pathogenic by Counsyl and Invitae. Animal models in zebrafish have shown that this variant causes retinitis pigmentosa 74 (PMID: 20498079). Computational prediction tools and conservation analyses suggest that this variant may impact the protein, though this information is not predictive enough to determine pathogenicity. The presence of this variant in 4 affected homozygotes, in combination with a reported pathogenic variant, and in 6 individuals with retinitis pigmentosa 74 increases the likelihood that the p.Arg632Pro variant is pathogenic (Variation ID: 4570; PMID: 25133751, 25412400, 25541840, 28559085). In summary, this variant meets criteria to be classified as pathogenic for retinitis pigmentosa 74 in an autosomal recessive manner based on its disease-causing effect in an animal model, and its homozygous occurrence and occurrence with other pathogenic variants in affected individuals. ACMG/AMP Criteria applied: PS3, PM3_strong, PP3 (Richards 2015).

Ambry Genetics
Classification: Pathogenic for Inborn genetic diseases. Last evaluated: 2021-06-14. Review status: criteria provided, single submitter. Criteria: Ambry Variant Classification Scheme 2023. Collection method: clinical testing. Allele origin: germline.
Comment: The c.1895G>C (p.R632P) alteration is located in exon 15 (coding exon 15) of the BBS2 gene. This alteration results from a G to C substitution at nucleotide position 1895, causing the arginine (R) at amino acid position 632 to be replaced by a proline (P). Based on data from the Genome Aggregation Database (gnomAD) database, the BBS2 c.1895G>C alteration was observed in 0.01% (32/282854) of total alleles studied, with a frequency of 0.28% (29/10370) in the Ashkenazi Jewish subpopulation. This alteration has been noted in a homozygous state in individuals presenting with retinitis pigmentosa (Watson, 2014; Shevach, 2015) and in a compound heterozygous state in individuals presenting with Bardet-Biedl syndrome (Janssen, 2011;Stone, 2017). This amino acid position is highly conserved in available vertebrate species. This alteration is located in the alpha-helical domain of BBS2. Functional evidence suggests that this alteration disrupts the formation of the alpha-helix, leading to impaired interaction between BBS2 and BBS9 (Zaghloul, 2010; Ludlam, 2019). The p.R632P alteration is predicted to be deleterious by in silico analysis. Based on the available evidence, this alteration is classified as pathogenic.

Broad Center for Mendelian Genomics, Broad Institute of MIT and Harvard
Classification: Pathogenic for Retinitis pigmentosa. Last evaluated: 2021-04-01. Review status: criteria provided, single submitter. Criteria: ACMG Guidelines, 2015. Collection method: curation. Allele origin: germline. Inheritance: Autosomal recessive inheritance. Affected: yes.
Comment: Through a review of available evidence we were able to apply the following criteria: PS3, PM2, PM3, PP1, PP3. Based on this evidence we have classified this variant as Pathogenic. If you have any questions about the classification please reach out to the Pierce Lab.

Institute of Medical Genetics and Applied Genomics, University Hospital Tübingen
Classification: Pathogenic. Last evaluated: 2020-10-23. Review status: criteria provided, single submitter. Criteria: ACMG Guidelines, 2015. Collection method: clinical testing. Allele origin: germline. Inheritance: Unknown mechanism. Affected: yes.

Illumina Laboratory Services, Illumina
Classification: Pathogenic for BBS2-Related Disorders. Last evaluated: 2017-04-28. Review status: criteria provided, single submitter. Criteria: ICSL Variant Classification Criteria 09 May 2019. Collection method: clinical testing. Allele origin: germline.
Comment: The BBS2 c.1895G>C (p.Arg632Pro) missense variant has been reported in six studies in which it is found in a total of 10 patients with BBS2-related disorders. The p.Arg632Pro variant was identified in a compound heterozygous state in four individuals with Bardet-Biedl syndrome (BBS), three of whom carry a third variant in another BBS-associated gene (Katsanis et al. 2001; Bin et al. 2009; Chen et al. 2011; Deveault et al. 2011). The p.Arg632Pro variant was also identified in patients with retinitis pigmentosa, in a homozygous state in four individuals and in a compound heterozygous state in two individuals (Watson et al. 2014; Shevach et al. 2015). Control data are unavailable for this variant, which is reported at a frequency of 0.00021 in the European (non-Finnish) population of the Exome Aggregation Consortium. Functional studies using translation blocking morpholinos for bbs2 in zebrafish demonstrate that the variant was unable to rescue the phenotype and is therefore considered a null allele (Zaghloul et al. 2010). Based on the collective evidence, the p.Arg632Pro variant is classified as pathogenic for BBS2-related disorders. This variant was observed by ICSL as part of a predisposition screen in an ostensibly healthy population.

Women's Health and Genetics/Laboratory Corporation of America, LabCorp
Classification: Pathogenic for Bardet-Biedl syndrome. Last evaluated: 2016-04-05. Review status: criteria provided, single submitter. Criteria: LabCorp Variant Classification Summary - May 2015. Collection method: clinical testing. Allele origin: germline.
Comment: Variant summary: The c.1895G>C in BBS2 gene is a missense change that alters a conserved nucleotide and 4/4 in silico tools predict deleterious outcome. The variant was observed in the large and broad cohorts of the ExAC project at an allele frequency of 0.012% exclusively in individuals of European descent (0.02%). This frequency does not exceed the maximal expected allele frequency for a pathogenic variant in BBS2 gene (0.085%). Fedick (2014) reports the carrier frequency of 0.261% (0.0064%) for Jewish population. The variant of interest has been reported in multiple BBS pts in compound heterozygous state (Katsanis, 2001, Bin, 2009, Daniels, 2012, Deveault, 2011, Fedick, 2014, and Shevach, 2014), one patient (compound heterozyote) with IRDs (Consugar, 2015), and in 4 individuals (2 homozygotes and 2 compound heterozygotes) presented with nonsyndromic autosomal recessive RP (Shevach, 2014). In functional studies the variant acted as null allele (Zaghloul, 2010). Taking together, the variant was classified as Pathogenic.

Sharon lab, Hadassah-Hebrew University Medical Center
Classification: Pathogenic for Retinitis pigmentosa. Last evaluated: 2019-06-23. Review status: no assertion criteria provided. Collection method: research. Allele origin: inherited. Affected: yes. Not counted in ClinVar's aggregate classification.

Counsyl
Classification: Likely pathogenic for Bardet-Biedl syndrome 2. Last evaluated: 2019-03-08. Review status: no assertion criteria provided. Collection method: clinical testing. Allele origin: unknown. Not counted in ClinVar's aggregate classification.

OMIM
Classification: Pathogenic for BARDET-BIEDL SYNDROME 2. Last evaluated: 2015-03-01. Review status: no assertion criteria provided. Collection method: literature only. Allele origin: germline. Not counted in ClinVar's aggregate classification.

OMIM
Classification: Pathogenic for RETINITIS PIGMENTOSA 74. Last evaluated: 2015-03-01. Review status: no assertion criteria provided. Collection method: literature only. Allele origin: germline. Not counted in ClinVar's aggregate classification.

Literature cited by the submitters: PubMed 21052717 (cited by 5 submitters); PubMed 22401627 (cited by Labcorp Genetics (formerly Invitae), Labcorp); PubMed 25133751 (cited by 6 submitters); PubMed 25412400 (cited by 4 submitters); PubMed 25541840 (cited by 9 submitters); PubMed 28559085 (cited by 4 submitters); PubMed 20498079 (cited by 7 submitters); PubMed 11567139 (cited by 7 submitters); PubMed 21642631 (cited by 3 submitters); PubMed 23829372 (cited by 5 submitters); PubMed 27659767 (cited by 3 submitters); PubMed 35886001 (cited by 3 submitters); PubMed 22410627 (cited by 3 submitters); PubMed 31980526 (cited by Athena Diagnostics); PubMed 35112343 (cited by Athena Diagnostics); PubMed 31456290 (cited by Athena Diagnostics); PubMed 32037395 (cited by Athena Diagnostics); PubMed 19402160 (cited by 3 submitters); PubMed 21344540 (cited by 4 submitters); PubMed 31530639 (cited by Athena Diagnostics and Ambry Genetics); PubMed 34906470 (cited by Broad Center for Mendelian Genomics, Broad Institute of MIT and Harvard).